The following is an entry in ClinVar:

ClinVar aggregate classification (germline): Uncertain significance. Review status: criteria provided, multiple submitters, no conflicts (2 of 4 stars). 5 submissions from 5 submitters: Uncertain significance (5). Last evaluated 2026-07-22.

Conditions:
INPP5E-related disorder. Also called: INPP5E-related condition.
Inborn genetic diseases. Identifiers: MedGen C0950123, MeSH D030342.
Joubert syndrome. Also called: Familial aplasia of the vermis; JOUBERT-BOLTSHAUSER SYNDROME. Identifiers: Orphanet 475, MedGen C5979921, MONDO:0018772.

Allele frequency attached by ClinVar (database versions not stated): gnomAD exomes 0.00001 and 0.00003; TOPMed 0.00002; ExAC 0.00003.

Submissions (5):

PreventionGenetics, part of Exact Sciences
Classification: Uncertain significance for INPP5E-related condition. Last evaluated: 2026-07-22. Review status: criteria provided, single submitter. Criteria: ACMG Guidelines, 2015. Collection method: clinical testing. Allele origin: germline.
Comment: The INPP5E c.872C>T variant is predicted to result in the amino acid substitution p.Ala291Val. To our knowledge, this variant has not been reported in the literature. This variant is reported in 0.038% of alleles in individuals of East Asian descent in gnomAD. At this time, the clinical significance of this variant is uncertain due to the absence of conclusive functional and genetic evidence.

Blueprint Genetics
Classification: Uncertain significance. Last evaluated: 2024-07-10. Review status: criteria provided, single submitter. Criteria: ACMG Guidelines, 2015. Collection method: clinical testing. Allele origin: germline.

Ambry Genetics
Classification: Uncertain significance for Inborn genetic diseases. Last evaluated: 2023-06-07. Review status: criteria provided, single submitter. Criteria: Ambry Variant Classification Scheme 2023. Collection method: clinical testing. Allele origin: germline.

Labcorp Genetics (formerly Invitae), Labcorp
Classification: Uncertain significance for Joubert syndrome. Last evaluated: 2022-08-09. Review status: criteria provided, single submitter. Criteria: Invitae Variant Classification Sherloc (09022015). Collection method: clinical testing. Allele origin: germline.
Comment: This sequence change replaces alanine, which is neutral and non-polar, with valine, which is neutral and non-polar, at codon 291 of the INPP5E protein (p.Ala291Val). This variant is present in population databases (rs759397125, gnomAD 0.04%). This variant has not been reported in the literature in individuals affected with INPP5E-related conditions. ClinVar contains an entry for this variant (Variation ID: 373192). Advanced modeling of protein sequence and biophysical properties (such as structural, functional, and spatial information, amino acid conservation, physicochemical variation, residue mobility, and thermodynamic stability) performed at Invitae indicates that this missense variant is not expected to disrupt INPP5E protein function. Algorithms developed to predict the effect of sequence changes on RNA splicing suggest that this variant may create or strengthen a splice site. In summary, the available evidence is currently insufficient to determine the role of this variant in disease. Therefore, it has been classified as a Variant of Uncertain Significance.

GeneDx
Classification: Uncertain significance. Last evaluated: 2016-11-17. Review status: criteria provided, single submitter. Criteria: GeneDx Variant Classification (06012015). Collection method: clinical testing. Allele origin: germline. Affected: yes.
Comment: A variant of uncertain significance has been identified in the INPP5E gene. The A291V variant has not been published as a pathogenic variant, nor has it been reported as a benign variant to our knowledge. It was not observed in approximately 6,500 individuals of European and African American ancestry in the NHLBI Exome Sequencing Project, indicating it is not a common benign variant in these populations. The A291V variant is a conservative amino acid substitution, which is not likely to impact secondary protein structure as these residues share similar properties. This substitution occurs at a position that is not conserved. However, in silico analysis is inconsistent in its predictions as to whether or not the variant is damaging to the protein structure/function. Therefore, based on the currently available information, it is unclear whether this variant is a pathogenic variant or a rare benign variant.

NM_019892.6(INPP5E):c.872C>T (p.Ala291Val)

Gene: INPP5E (inositol polyphosphate-5-phosphatase E; minus strand). Cytogenetic location: 9q34.3.
Variant type: single nucleotide variant.
Coding change: c.872C>T on transcript NM_019892.6 (MANE Select); coding-DNA position 872, C replaced by T.
Protein change: p.Ala291Val; replaces alanine 291 with valine.
Molecular consequence: missense variant.
Genome position (GRCh38, 1-based): chr9:136,434,804, G>A on the plus strand (C>T on the coding strand, the complement: INPP5E is on the minus strand). VCF-style: chr9-136434804-G-A. GRCh37 (hg19) VCF-style: chr9-139329256-G-A.
Other names: c.872C>T, p.Ala291Val (NM_001318502.2); c.872C>T (NM_019892.5); short protein forms A291V.
Identifiers: ClinVar variation 373192 (VCV000373192.8), dbSNP rs759397125, ClinGen allele CA5337048.